The following is an entry in ClinVar:

NM_198578.4(LRRK2):c.2695G>A (p.Glu899Lys)

Gene: LRRK2 (leucine rich repeat kinase 2; plus strand). Cytogenetic location: 12q12.
Variant type: single nucleotide variant.
Coding change: c.2695G>A on transcript NM_198578.4 (MANE Select); coding-DNA position 2695, G replaced by A.
Protein change: p.Glu899Lys; replaces glutamic acid 899 with lysine.
Molecular consequence: missense variant.
Genome position (GRCh38, 1-based): chr12:40,293,550, G>A. VCF-style: chr12-40293550-G-A. GRCh37 (hg19) VCF-style: chr12-40687352-G-A.
Other names: short protein forms E899K.
Identifiers: ClinVar variation 3229569 (VCV003229569.1), dbSNP rs2499713165, ClinGen allele CA384410582.

ClinVar aggregate classification (germline): Uncertain significance (1 of 4 stars; one submission).

Conditions:
Inborn genetic diseases. Identifiers: MedGen C0950123, MeSH D030342.

Submission:

Ambry Genetics
Classification: Uncertain significance for Inborn genetic diseases. Last evaluated: 2024-01-16. Review status: criteria provided, single submitter. Criteria: Ambry Variant Classification Scheme 2023. Collection method: clinical testing. Allele origin: germline.
Comment: The p.E899K variant (also known as c.2695G>A), located in coding exon 21 of the LRRK2 gene, results from a G to A substitution at nucleotide position 2695. The glutamic acid at codon 899 is replaced by lysine, an amino acid with similar properties. This amino acid position is conserved. In addition, the in silico prediction for this alteration is inconclusive. Since supporting evidence is limited at this time, the clinical significance of this alteration remains unclear.